The following is an entry in ClinVar:

ClinVar aggregate classification (germline): Likely benign (1 of 4 stars; one submission).

Allele frequency attached by ClinVar (database versions not stated): ExAC 0.00001; gnomAD 0.00001; gnomAD exomes 0.00001.
gnomAD v4.1: 14 of 1,530,730 alleles (0.00091%); highest among the groups gnomAD compares: Non-Finnish European, 0.0012%; no homozygotes.

Submission:

CeGaT Center for Human Genetics Tuebingen
Classification: Likely benign. Last evaluated: 2022-03-01. Review status: criteria provided, single submitter. Criteria: CeGaT Center For Human Genetics Tuebingen Variant Classification Criteria Version 2. Collection method: clinical testing. Allele origin: germline. Affected: yes. Observed: 1 variant allele.
Comment: ABCA6: BP4, BP7

NM_080284.3(ABCA6):c.3141A>G (p.Leu1047=)

Gene: ABCA6 (ATP binding cassette subfamily A member 6; minus strand). Cytogenetic location: 17q24.2.
Variant type: single nucleotide variant.
Coding change: c.3141A>G on transcript NM_080284.3 (MANE Select); coding-DNA position 3141, A replaced by G.
Protein change: p.Leu1047=; no amino-acid change (leucine 1047 retained).
Molecular consequence: synonymous variant.
Genome position (GRCh38, 1-based): chr17:69,096,781, T>C on the plus strand (A>G on the coding strand, the complement: ABCA6 is on the minus strand). VCF-style: chr17-69096781-T-C. GRCh37 (hg19) VCF-style: chr17-67092922-T-C.
Identifiers: ClinVar variation 2648163 (VCV002648163.24), dbSNP rs779834289, ClinGen allele CA8733956.